The following is an entry in ClinVar:

ClinVar aggregate classification (germline): Pathogenic (1 of 4 stars; one submission).

Submission:

Labcorp Genetics (formerly Invitae), Labcorp
Classification: Pathogenic. Last evaluated: 2025-08-11. Review status: criteria provided, single submitter. Criteria: Invitae Variant Classification Sherloc (09022015). Collection method: clinical testing. Allele origin: germline.
Comment: This sequence change creates a premature translational stop signal (p.Leu855*) in the RP1 gene. While this is not anticipated to result in nonsense mediated decay, it is expected to disrupt the last 1302 amino acid(s) of the RP1 protein. This variant is present in population databases (no rsID available, gnomAD 0.003%). This variant has not been reported in the literature in individuals affected with RP1-related conditions. ClinVar contains an entry for this variant (Variation ID: 1453341). This variant disrupts the C-terminus of the RP1 protein. Many variants that disrupt this region have been reported in individuals with either autosomal dominant or autosomal recessive retinitis pigmentosa (PMID: 11527933, 19933189, 29425069, 30027431, 33681214). Therefore, variants that disrupt this region are expected to be disease-causing. For these reasons, this variant has been classified as Pathogenic.

Literature cited by the submitters: PubMed 11527933; PubMed 19933189; PubMed 29425069; PubMed 30027431; PubMed 33681214.

NM_006269.2(RP1):c.2564del (p.Ser854_Leu855insTer)

Gene: RP1 (RP1 axonemal microtubule associated; plus strand). Cytogenetic location: 8q12.1.
Variant type: Deletion.
Coding change: c.2564del on transcript NM_006269.2 (MANE Select); coding-DNA position 2564, one base deleted (T; older notation c.2564delT).
Protein change: p.Ser854_Leu855insTer.
Molecular consequence: nonsense. On other transcripts: intron variant (1).
Genome position (GRCh38, 1-based): chr8:54,626,446, T deleted; the last of 3 consecutive T bases (chr8:54,626,444-54,626,446); deleting any one gives the same sequence. VCF-style (leftmost placement, unchanged base first): chr8-54626443-GT-G. GRCh37 (hg19) VCF-style: chr8-55539003-GT-G.
Other names: c.787+4158del (NM_001375654.1).
Identifiers: ClinVar variation 1453341 (VCV001453341.6), dbSNP rs1434495676, ClinGen allele CA582205655.
Genomic context (GRCh38, chr8:54,626,443, plus strand): 5'-ATGCACCGCAATCTCAAGCAGAAGTGGCATCTGGGTATTTGAGAGGAATGGCAAAGAAGA[GT>G]TTAGTTTCAAAAGTTACTGATTCACACATAACTTTAAAAAGCCAGAAAAAACGTAAAGGG-3'